The following is an entry in ClinVar:

NM_032898.5(CEP19):c.95G>A (p.Arg32His)

Gene: CEP19 (centrosomal protein 19; minus strand). Cytogenetic location: 3q29.
Variant type: single nucleotide variant.
Coding change: c.95G>A on transcript NM_032898.5 (MANE Select); coding-DNA position 95, G replaced by A.
Protein change: p.Arg32His; replaces arginine 32 with histidine.
Molecular consequence: missense variant.
Genome position (GRCh38, 1-based): chr3:196,708,563, C>T on the plus strand (G>A on the coding strand, the complement: CEP19 is on the minus strand). VCF-style: chr3-196708563-C-T. GRCh37 (hg19) VCF-style: chr3-196435434-C-T.
Other names: c.107G>A (NM_032898.3); short protein forms R32H.
Identifiers: ClinVar variation 839538 (VCV000839538.10), dbSNP rs374921346, ClinGen allele CA2782165.

ClinVar aggregate classification (germline): Uncertain significance. Review status: criteria provided, multiple submitters, no conflicts (2 of 4 stars). 3 submissions from 3 submitters: Uncertain significance (3). Last evaluated 2025-01-18.

Allele frequency attached by ClinVar (database versions not stated): ExAC 0.00001; gnomAD 0.00001; TOPMed 0.00002; ESP Exome Variant Server 0.00008.
gnomAD v4.1: 22 of 1,613,978 alleles (0.0014%); highest among the groups gnomAD compares: Middle Eastern, 0.016%; no homozygotes.

Submissions (3):

Ambry Genetics
Classification: Uncertain significance. Last evaluated: 2025-01-18. Review status: criteria provided, single submitter. Criteria: Ambry Variant Classification Scheme 2023. Collection method: clinical testing. Allele origin: germline.

Labcorp Genetics (formerly Invitae), Labcorp
Classification: Uncertain significance. Last evaluated: 2024-10-26. Review status: criteria provided, single submitter. Criteria: Invitae Variant Classification Sherloc (09022015). Collection method: clinical testing. Allele origin: germline.
Comment: This sequence change replaces arginine, which is basic and polar, with histidine, which is basic and polar, at codon 36 of the CEP19 protein (p.Arg36His). This variant is present in population databases (rs374921346, gnomAD 0.005%). This variant has not been reported in the literature in individuals affected with CEP19-related conditions. ClinVar contains an entry for this variant (Variation ID: 839538). An algorithm developed to predict the effect of missense changes on protein structure and function (PolyPhen-2) suggests that this variant is likely to be tolerated. In summary, the available evidence is currently insufficient to determine the role of this variant in disease. Therefore, it has been classified as a Variant of Uncertain Significance.

Blueprint Genetics
Classification: Uncertain significance. Last evaluated: 2024-01-19. Review status: criteria provided, single submitter. Criteria: ACMG Guidelines, 2015. Collection method: clinical testing. Allele origin: germline.